The following is an entry in ClinVar:

NM_001286445.3(RIPOR2):c.1072G>A (p.Ala358Thr)

Gene: RIPOR2 (RHO family interacting cell polarization regulator 2; minus strand). Cytogenetic location: 6p22.3.
Variant type: single nucleotide variant.
Coding change: c.1072G>A on transcript NM_001286445.3 (MANE Select); coding-DNA position 1072, G replaced by A.
Protein change: p.Ala358Thr; replaces alanine 358 with threonine.
Molecular consequence: missense variant.
Genome position (GRCh38, 1-based): chr6:24,848,117, C>T on the plus strand (G>A on the coding strand, the complement: RIPOR2 is on the minus strand). VCF-style: chr6-24848117-C-T. GRCh37 (hg19) VCF-style: chr6-24848345-C-T.
Other names: c.985G>A (NM_014722.3, NM_014722.4); c.1087G>A, p.Ala363Thr (NM_001286446.3); c.985G>A, p.Ala329Thr (NM_001286447.2, NM_001346031.2, NM_001346032.2 and 2 more transcripts); short protein forms A358T, A363T, A329T.
Identifiers: ClinVar variation 2175206 (VCV002175206.6), dbSNP rs35254980, ClinGen allele CA3659339.

ClinVar aggregate classification (germline): Uncertain significance. Review status: criteria provided, multiple submitters, no conflicts (2 of 4 stars). 3 submissions from 3 submitters: Uncertain significance (3). Last evaluated 2025-02-24.

Conditions:
RIPOR2-related disorder. Also called: RIPOR2-related condition.

gnomAD v4.1: 63 of 1,613,766 alleles (0.0039%); highest among the groups gnomAD compares: Non-Finnish European, 0.0046%; no homozygotes.

Submissions (3):

GeneDx
Classification: Uncertain significance. Last evaluated: 2025-02-24. Review status: criteria provided, single submitter. Criteria: GeneDx Variant Classification Process June 2021. Collection method: clinical testing. Allele origin: germline. Affected: yes.
Comment: In silico analysis indicates that this missense variant does not alter protein structure/function; Has not been previously published as pathogenic or benign to our knowledge

PreventionGenetics, part of Exact Sciences
Classification: Uncertain significance for RIPOR2-related condition. Last evaluated: 2024-11-05. Review status: criteria provided, single submitter. Criteria: ACMG Guidelines, 2015. Collection method: clinical testing. Allele origin: germline.
Comment: The RIPOR2 c.985G>A variant is predicted to result in the amino acid substitution p.Ala329Thr. To our knowledge, this variant has not been reported in the literature. This variant is reported in 0.020% of alleles in individuals of Ashkenazi Jewish descent in gnomAD. At this time, the clinical significance of this variant is uncertain due to the absence of conclusive functional and genetic evidence.

Labcorp Genetics (formerly Invitae), Labcorp
Classification: Uncertain significance. Last evaluated: 2022-10-19. Review status: criteria provided, single submitter. Criteria: Invitae Variant Classification Sherloc (09022015). Collection method: clinical testing. Allele origin: germline.
Comment: In summary, the available evidence is currently insufficient to determine the role of this variant in disease. Therefore, it has been classified as a Variant of Uncertain Significance. Algorithms developed to predict the effect of missense changes on protein structure and function output the following: SIFT: "Tolerated"; PolyPhen-2: "Benign"; Align-GVGD: "Class C0". The threonine amino acid residue is found in multiple mammalian species, which suggests that this missense change does not adversely affect protein function. This variant has not been reported in the literature in individuals affected with FAM65B-related conditions. This variant is present in population databases (rs35254980, gnomAD 0.01%). This sequence change replaces alanine, which is neutral and non-polar, with threonine, which is neutral and polar, at codon 329 of the FAM65B protein (p.Ala329Thr).